The following is an entry in ClinVar:

ClinVar aggregate classification (germline): Pathogenic (1 of 4 stars; one submission).

Conditions:
Transcobalamin II deficiency (TCN2D). Also called: TC II DEFICIENCY; TCN2 DEFICIENCY; Transcolabamin II deficiency. Identifiers: Orphanet 859, MedGen C0342701, MONDO:0010149, OMIM 275350.

Submission:

Labcorp Genetics (formerly Invitae), Labcorp
Classification: Pathogenic for Transcobalamin II deficiency. Last evaluated: 2025-09-09. Review status: criteria provided, single submitter. Criteria: Invitae Variant Classification Sherloc (09022015). Collection method: clinical testing. Allele origin: germline.
Comment: This sequence change creates a premature translational stop signal (p.Val295*) in the TCN2 gene. It is expected to result in an absent or disrupted protein product. Loss-of-function variants in TCN2 are known to be pathogenic (PMID: 7980584, 20352340). This variant is not present in population databases (gnomAD no frequency). This variant has not been reported in the literature in individuals affected with TCN2-related conditions. For these reasons, this variant has been classified as Pathogenic.

Literature cited by the submitters: PubMed 7980584; PubMed 20352340.

NM_000355.4(TCN2):c.863_882dup (p.Val295Ter)

Gene: TCN2 (transcobalamin 2; plus strand). Cytogenetic location: 22q12.2.
Variant type: Duplication.
Coding change: c.863_882dup on transcript NM_000355.4 (MANE Select); coding-DNA positions 863 to 882, 20 bases duplicated (TGATTTCCCAGCTGCTGCCC).
Protein change: p.Val295Ter; replaces valine 295 with a stop codon.
Molecular consequence: nonsense.
Genome position (GRCh38, 1-based): chr22:30,615,710-30,615,729, TGATTTCCCAGCTGCTGCCC duplicated. VCF-style (leftmost placement, unchanged base first): chr22-30615709-A-ATGATTTCCCAGCTGCTGCCC. GRCh37 (hg19) VCF-style: chr22-31011696-A-ATGATTTCCCAGCTGCTGCCC.
Other names: c.782_801dup, p.Val268Ter (NM_001184726.2); short protein forms V295*, V268*.
Identifiers: ClinVar variation 4726628 (VCV004726628.1).
Genomic context (GRCh38, chr22:30,615,709, plus strand): 5'-CTCAAGGCGAGGGTTGCTTTGCTGGCCAGTCTGCAGGATGGAGCCTTCCAGAATGCTCTC[A>ATGATTTCCCAGCTGCTGCCC]TGATTTCCCAGCTGCTGCCCGTTCTGAACCACAAGACCTACATTGATCTGATCTTCCCAG-3'